The following is an entry in ClinVar:

ClinVar aggregate classification (germline): Uncertain significance (1 of 4 stars; one submission).

Conditions:
Multiple endocrine neoplasia, type 1 (MEN1). Also called: MEA I; MEN I; WERMER SYNDROME; Endocrine adenomatosis multiple; MEN 1. Identifiers: Orphanet 652, MedGen C0025267, MeSH D018761, MONDO:0007540, OMIM 131100.

Submission:

Labcorp Genetics (formerly Invitae), Labcorp
Classification: Uncertain significance for Multiple endocrine neoplasia, type 1. Last evaluated: 2025-08-03. Review status: criteria provided, single submitter. Criteria: Invitae Variant Classification Sherloc (09022015). Collection method: clinical testing. Allele origin: germline.
Comment: This sequence change replaces glutamine, which is neutral and polar, with glutamic acid, which is acidic and polar, at codon 400 of the MEN1 protein (p.Gln400Glu). This variant is not present in population databases (gnomAD no frequency). This variant has not been reported in the literature in individuals affected with MEN1-related conditions. Invitae Evidence Modeling of protein sequence and biophysical properties (such as structural, functional, and spatial information, amino acid conservation, physicochemical variation, residue mobility, and thermodynamic stability) indicates that this missense variant is not expected to disrupt MEN1 protein function with a negative predictive value of 95%. In summary, the available evidence is currently insufficient to determine the role of this variant in disease. Therefore, it has been classified as a Variant of Uncertain Significance.

NM_001370259.2(MEN1):c.1198C>G (p.Gln400Glu)

Gene: MEN1 (menin 1; minus strand). Cytogenetic location: 11q13.1.
Variant type: single nucleotide variant.
Coding change: c.1198C>G on transcript NM_001370259.2 (MANE Select); coding-DNA position 1198, C replaced by G.
Protein change: p.Gln400Glu; replaces glutamine 400 with glutamic acid.
Molecular consequence: missense variant. On other transcripts: non-coding transcript variant (4), intron variant (1).
Genome position (GRCh38, 1-based): chr11:64,805,186, G>C on the plus strand (C>G on the coding strand, the complement: MEN1 is on the minus strand). VCF-style: chr11-64805186-G-C. GRCh37 (hg19) VCF-style: chr11-64572658-G-C.
Other names: c.1213C>G, p.Gln405Glu (NM_000244.4, NM_001407145.1, NM_130800.3 and 4 more transcripts); c.1324C>G, p.Gln442Glu (NM_001370251.2, NM_001407142.1, NM_001407143.1 and 1 more transcripts); c.1198C>G, p.Gln400Glu (NM_001370260.2, NM_001370261.2, NM_001407146.1 and 2 more transcripts); c.1093C>G, p.Gln365Glu (NM_001370262.2, NM_001370263.2, NM_001407148.1 and 1 more transcripts); c.1339C>G, p.Gln447Glu (NM_001407150.1); c.1219C>G, p.Gln407Glu (NM_001407151.1); c.1186-370C>G (NM_001407152.1); short protein forms Q365E, Q400E, Q405E, Q407E, Q442E, Q447E.
Identifiers: ClinVar variation 4800420 (VCV004800420.1).